The following is an entry in ClinVar:

ClinVar aggregate classification (germline): Uncertain significance. Review status: criteria provided, multiple submitters, no conflicts (2 of 4 stars). 3 submissions from 3 submitters: Uncertain significance (2). 1 of the submissions does not count toward it. Last evaluated 2025-01-27.

Conditions:
Neuronal ceroid lipofuscinosis 2. Also called: JANSKY-BIELSCHOWSKY DISEASE NEURONAL CEROID LIPOFUSCINOSIS, LATE INFANTILE; TPP1-Related Neuronal Ceroid-Lipofuscinosis. Identifiers: Orphanet 168491, Orphanet 228349, Orphanet 79264, MedGen C1876161, MONDO:0008769, OMIM 204500.

Allele frequency attached by ClinVar (database versions not stated): gnomAD exomes below 0.00001; TOPMed below 0.00001; ExAC 0.00001; gnomAD 0.00001.
gnomAD v4.1: 2 of 1,614,022 alleles (0.00012%); highest among the groups gnomAD compares: Non-Finnish European, 0.00017%; no homozygotes.

Submissions (3):

Labcorp Genetics (formerly Invitae), Labcorp
Classification: Uncertain significance. Last evaluated: 2025-01-27. Review status: criteria provided, single submitter. Criteria: Invitae Variant Classification Sherloc (09022015). Collection method: clinical testing. Allele origin: germline.
Comment: This sequence change replaces cysteine, which is neutral and slightly polar, with tyrosine, which is neutral and polar, at codon 537 of the TPP1 protein (p.Cys537Tyr). The frequency data for this variant in the population databases is considered unreliable, as metrics indicate poor data quality at this position in the gnomAD database. This variant has not been reported in the literature in individuals affected with TPP1-related conditions. ClinVar contains an entry for this variant (Variation ID: 207602). Invitae Evidence Modeling of protein sequence and biophysical properties (such as structural, functional, and spatial information, amino acid conservation, physicochemical variation, residue mobility, and thermodynamic stability) indicates that this missense variant is expected to disrupt TPP1 protein function with a positive predictive value of 80%. In summary, the available evidence is currently insufficient to determine the role of this variant in disease. Therefore, it has been classified as a Variant of Uncertain Significance.

GeneDx
Classification: Uncertain significance. Last evaluated: 2014-11-19. Review status: criteria provided, single submitter. Criteria: GeneDx Variant Classification (06012015). Collection method: clinical testing. Allele origin: germline. Affected: yes.
Comment: p.Cys537Tyr (TGC>TAC): c.1610 G>A in exon 13 of the TPP1 gene (NM_000391.3) The C537Y variant has not been published as a mutation, nor has it been reported as a benign polymorphism to our knowledge. It was not observed in approximately 6,500 individuals of European and African American ancestry in the NHLBI Exome Sequencing Project, indicating it is not a common benign variant in these populations. The C537Y variant is a non-conservative amino acid substitution, which is likely to impact secondary protein structure as these residues differ in polarity, charge, size and/or other properties. This substitution occurs at a position that is conserved across species. Missense mutations in nearby residues (G535R, P544S, W548R) have been reported in association with neuronal ceroid lipofuscinosis supporting the functional importance of this region of the protein. In silico analysis is inconsistent in its predictions as to whether or not the variant is damaging to the protein structure/function. Therefore, based on the currently available information, it is unclear whether this variant is a pathogenic mutation or a rare benign variant. The variant is found in INFANT-EPI panel(s).

Natera, Inc.
Classification: Uncertain significance for Neuronal ceroid lipofuscinosis 2. Last evaluated: 2021-09-22. Review status: no assertion criteria provided. Collection method: clinical testing. Allele origin: germline. Not counted in ClinVar's aggregate classification.

NM_000391.4(TPP1):c.1610G>A (p.Cys537Tyr)

Gene: TPP1 (tripeptidyl peptidase 1; minus strand). Cytogenetic location: 11p15.4.
Variant type: single nucleotide variant.
Coding change: c.1610G>A on transcript NM_000391.4 (MANE Select); coding-DNA position 1610, G replaced by A.
Protein change: p.Cys537Tyr; replaces cysteine 537 with tyrosine.
Molecular consequence: missense variant.
Genome position (GRCh38, 1-based): chr11:6,614,628, C>T on the plus strand (G>A on the coding strand, the complement: TPP1 is on the minus strand). VCF-style: chr11-6614628-C-T. GRCh37 (hg19) VCF-style: chr11-6635859-C-T.
Other names: p.C537Y:TGC>TAC; short protein forms C537Y.
Identifiers: ClinVar variation 207602 (VCV000207602.7), dbSNP rs777744177, ClinGen allele CA319229.
Genomic context (GRCh38, chr11:6,614,628, plus strand): 5'-AGCAAAGCTGGGAAGTTGGGTGTTCCCCAGCCTGTTACAGGATCCCAGCCAGGACCAGAG[C>T]AGAAACCCTGGCCCTCTACCTCTTCATCCAGACAGGACTCATGGCAGCCACGGGTTACCT-3'
Protein context (NP_000382.3, residues 527-547): LDEEVEGQGF[Cys537Tyr]SGPGWDPVTG